The following is an entry in ClinVar:

NM_000395.3(CSF2RB):c.2224C>A (p.Pro742Thr)

Gene: CSF2RB (colony stimulating factor 2 receptor subunit beta; plus strand). Cytogenetic location: 22q12.3.
Variant type: single nucleotide variant.
Coding change: c.2224C>A on transcript NM_000395.3 (MANE Select); coding-DNA position 2224, C replaced by A.
Protein change: p.Pro742Thr; replaces proline 742 with threonine.
Molecular consequence: missense variant.
Genome position (GRCh38, 1-based): chr22:36,938,032, C>A. VCF-style: chr22-36938032-C-A. GRCh37 (hg19) VCF-style: chr22-37334074-C-A.
Other names: c.2242C>A, p.Pro748Thr (NM_001410827.1); short protein forms P748T, P742T.
Identifiers: ClinVar variation 2889195 (VCV002889195.3), dbSNP rs1197700168, ClinGen allele CA411411072.

ClinVar aggregate classification (germline): Uncertain significance (1 of 4 stars; one submission).

Allele frequency attached by ClinVar (database versions not stated): gnomAD exomes below 0.00001.

Submission:

Labcorp Genetics (formerly Invitae), Labcorp
Classification: Uncertain significance. Last evaluated: 2023-07-24. Review status: criteria provided, single submitter. Criteria: Invitae Variant Classification Sherloc (09022015). Collection method: clinical testing. Allele origin: germline.
Comment: This sequence change replaces proline, which is neutral and non-polar, with threonine, which is neutral and polar, at codon 742 of the CSF2RB protein (p.Pro742Thr). This variant is present in population databases (no rsID available, gnomAD 0.01%). This variant has not been reported in the literature in individuals affected with CSF2RB-related conditions. Advanced modeling of protein sequence and biophysical properties (such as structural, functional, and spatial information, amino acid conservation, physicochemical variation, residue mobility, and thermodynamic stability) performed at Invitae indicates that this missense variant is not expected to disrupt CSF2RB protein function. In summary, the available evidence is currently insufficient to determine the role of this variant in disease. Therefore, it has been classified as a Variant of Uncertain Significance.